The following is an entry in ClinVar:

ClinVar aggregate classification (germline): Conflicting classifications of pathogenicity. Review status: criteria provided, conflicting classifications (1 of 4 stars). 3 submissions from 3 submitters: Uncertain significance (2); Benign (1). Last evaluated 2026-01-26.

Conditions:
Familial thoracic aortic aneurysm and aortic dissection (TAAD). Also called: Thoracic aortic aneurysms and dissections. Identifiers: Orphanet 91387, MedGen C4707243, MONDO:0019625.
Ehlers-Danlos syndrome, classic type, 1 (EDSCL1). Also called: Ehlers-Danlos syndrome, type 1; Ehlers-Danlos Syndrome, Classic Type, COL5A1-Related; EDS I; EHLERS-DANLOS SYNDROME, GRAVIS TYPE; EHLERS-DANLOS SYNDROME, SEVERE CLASSIC TYPE. Identifiers: MedGen C0268335, MONDO:0019567, OMIM 130000.

Allele frequency attached by ClinVar (database versions not stated): gnomAD 0.00003; ESP Exome Variant Server 0.00008; 1000 Genomes Project 0.00060; TOPMed below 0.00001; ExAC 0.00001; 1000 Genomes Project 30x 0.00047; gnomAD exomes 0.00002.
gnomAD v4.1: 22 of 1,614,040 alleles (0.0014%); highest among the groups gnomAD compares: South Asian, 0.0055%; no homozygotes.

Submissions (3):

Labcorp Genetics (formerly Invitae), Labcorp
Classification: Benign for Ehlers-Danlos syndrome, classic type, 1. Last evaluated: 2026-01-26. Review status: criteria provided, single submitter. Criteria: Invitae Variant Classification Sherloc (09022015). Collection method: clinical testing. Allele origin: germline.

Women's Health and Genetics/Laboratory Corporation of America, LabCorp
Classification: Uncertain significance. Last evaluated: 2025-12-29. Review status: criteria provided, single submitter. Criteria: LabCorp Variant Classification Summary - May 2015. Collection method: clinical testing. Allele origin: germline.
Comment: Variant summary: COL5A1 c.5126G>A (p.Arg1709His) results in a non-conservative amino acid change in the encoded protein sequence. Algorithms developed to predict the effect of missense changes on protein structure and function are either unavailable or do not agree on the potential impact of this missense change. The variant allele was found at a frequency of 2.4e-05 in 251084 control chromosomes. The available data on variant occurrences in the general population are insufficient to allow any conclusion about variant significance. To our knowledge, no occurrence of c.5126G>A in individuals affected with COL5A1-related conditions and no experimental evidence demonstrating its impact on protein function have been reported. ClinVar contains an entry for this variant (Variation ID: 862690). Based on the evidence outlined above, the variant was classified as uncertain significance.

Ambry Genetics
Classification: Uncertain significance for Familial thoracic aortic aneurysm and aortic dissection. Last evaluated: 2025-03-19. Review status: criteria provided, single submitter. Criteria: Ambry Variant Classification Scheme 2023. Collection method: clinical testing. Allele origin: germline.
Comment: The p.R1709H variant (also known as c.5126G>A), located in coding exon 64 of the COL5A1 gene, results from a G to A substitution at nucleotide position 5126. The arginine at codon 1709 is replaced by histidine, an amino acid with highly similar properties. This amino acid position is highly conserved in available vertebrate species. In addition, this alteration is predicted to be tolerated by in silico analysis. Based on the available evidence, the clinical significance of this variant remains unclear.

NM_000093.5(COL5A1):c.5126G>A (p.Arg1709His)

Genes: COL5A1 (collagen type V alpha 1 chain; plus strand), LOC101448202 (uncharacterized LOC101448202; minus strand). Cytogenetic location: 9q34.3.
Variant type: single nucleotide variant.
Coding change: c.5126G>A on transcript NM_000093.5 (MANE Select); coding-DNA position 5126, G replaced by A.
Protein change: p.Arg1709His; replaces arginine 1709 with histidine.
Molecular consequence: missense variant. On other transcripts: intron variant (1).
Genome position (GRCh38, 1-based): chr9:134,830,034, G>A. VCF-style: chr9-134830034-G-A. GRCh37 (hg19) VCF-style: chr9-137721880-G-A.
Other names: c.5126G>A (NM_000093.3); c.5068-74G>A (NM_001278074.1); short protein forms R1709H.
Identifiers: ClinVar variation 862690 (VCV000862690.11), dbSNP rs193275092, ClinGen allele CA5320587.